The following is an entry in ClinVar:

NM_004698.4(PRPF3):c.11C>T (p.Ser4Leu)

Gene: PRPF3 (pre-mRNA processing factor 3; plus strand). Cytogenetic location: 1q21.2.
Variant type: single nucleotide variant.
Coding change: c.11C>T on transcript NM_004698.4 (MANE Select); coding-DNA position 11, C replaced by T.
Protein change: p.Ser4Leu; replaces serine 4 with leucine.
Molecular consequence: missense variant. On other transcripts: 5 prime UTR variant (1), non-coding transcript variant (4).
Genome position (GRCh38, 1-based): chr1:150,324,953, C>T. VCF-style: chr1-150324953-C-T. GRCh37 (hg19) VCF-style: chr1-150297411-C-T.
Other names: c.-491C>T (NM_001350529.1); short protein forms S4L.
Identifiers: ClinVar variation 1348835 (VCV001348835.9), dbSNP rs2101943440, ClinGen allele CA342284539.
Genomic context (GRCh38, chr1:150,324,953, plus strand): 5'-AGGTGTAGTATTGAGTCCTGTTTGAGCTATTGTTCTCTTTTTCCTGAAAAATGGCACTGT[C>T]AAAGAGGGAGCTGGATGAGCTGAAACCATGGATAGAGAAGACAGTGAAGAGGGTCCTGGG-3'
Protein context (NP_004689.1, residues 1-14): MAL[Ser4Leu]KRELDELKPW

ClinVar aggregate classification (germline): Uncertain significance. Review status: criteria provided, multiple submitters, no conflicts (2 of 4 stars). 3 submissions from 3 submitters: Uncertain significance (3). Last evaluated 2024-06-06.

Submissions (3):

Dasa
Classification: Uncertain significance. Last evaluated: 2024-06-06. Review status: criteria provided, single submitter. Criteria: DASA Assertion Criteria. Collection method: clinical testing. Allele origin: germline.
Comment: NM_004698.4(PRPF3):c.11C>T (p.Ser4Leu) is a missense variant that results in the substitution of serine with leucine. This variant is rare in population databases. Computational prediction algorithms are consistent with a benign effect. The currently available literature and clinical evidence are not sufficient to establish a definitive association between this variant and the reported condition. Therefore, this variant is classified as a variant of uncertain significance.

Labcorp Genetics (formerly Invitae), Labcorp
Classification: Uncertain significance. Last evaluated: 2023-08-04. Review status: criteria provided, single submitter. Criteria: Invitae Variant Classification Sherloc (09022015). Collection method: clinical testing. Allele origin: germline.
Comment: An algorithm developed to predict the effect of missense changes on protein structure and function (PolyPhen-2) suggests that this variant is likely to be tolerated. In summary, the available evidence is currently insufficient to determine the role of this variant in disease. Therefore, it has been classified as a Variant of Uncertain Significance. ClinVar contains an entry for this variant (Variation ID: 1348835). This variant has not been reported in the literature in individuals affected with PRPF3-related conditions. This variant is not present in population databases (gnomAD no frequency). This sequence change replaces serine, which is neutral and polar, with leucine, which is neutral and non-polar, at codon 4 of the PRPF3 protein (p.Ser4Leu).

Blueprint Genetics
Classification: Uncertain significance. Last evaluated: 2023-03-28. Review status: criteria provided, single submitter. Criteria: ACMG Guidelines, 2015. Collection method: clinical testing. Allele origin: germline.